The following is an entry in ClinVar:

ClinVar aggregate classification (germline): Benign/Likely benign. Review status: criteria provided, multiple submitters, no conflicts (2 of 4 stars). 10 submissions from 10 submitters: Benign (6); Likely benign (4). Last evaluated 2026-01-24.

Conditions:
Charcot-Marie-Tooth disease axonal type 2S. Also called: CHARCOT-MARIE-TOOTH NEUROPATHY, TYPE 2S; CHARCOT-MARIE-TOOTH DISEASE, AXONAL, AUTOSOMAL RECESSIVE, TYPE 2S. Identifiers: Orphanet 443073, MedGen C4015349, MONDO:0014511, OMIM 616155.
Autosomal recessive distal spinal muscular atrophy 1. Also called: HMN VI; NEURONOPATHY, SEVERE INFANTILE AXONAL, WITH RESPIRATORY FAILURE; SEVERE INFANTILE AXONAL NEUROPATHY WITH RESPIRATORY FAILURE; SPINAL MUSCULAR ATROPHY, DIAPHRAGMATIC; Spinal muscular atrophy with respiratory distress 1; NEURONOPATHY, DISTAL HEREDITARY MOTOR, HARDING TYPE VI. Identifiers: Orphanet 98920, MedGen C1858517, MONDO:0011436, OMIM 604320.
Inborn genetic diseases. Identifiers: MedGen C0950123, MeSH D030342.
Charcot-Marie-Tooth disease. Also called: Charcot-Marie-Tooth Hereditary Neuropathy; Charcot-Marie-Tooth Neuropathy. Identifiers: Orphanet 166, MedGen C0007959, MONDO:0015626.

Allele frequency attached by ClinVar (database versions not stated): gnomAD 0.00420 and 0.00401; ESP Exome Variant Server 0.00423; 1000 Genomes Project 30x 0.00437; TOPMed 0.00478; gnomAD exomes 0.00095; ExAC 0.00128; 1000 Genomes Project 0.00339.
gnomAD v4.1: 1,285 of 1,614,166 alleles (0.08%); highest among the groups gnomAD compares: African/African-American, 1.4%; 5 homozygotes.

Submissions (10):

Labcorp Genetics (formerly Invitae), Labcorp
Classification: Benign for Autosomal recessive distal spinal muscular atrophy 1; Charcot-Marie-Tooth disease axonal type 2S. Last evaluated: 2026-01-24. Review status: criteria provided, single submitter. Criteria: Invitae Variant Classification Sherloc (09022015). Collection method: clinical testing. Allele origin: germline.

Blueprint Genetics
Classification: Likely benign. Last evaluated: 2024-11-12. Review status: criteria provided, single submitter. Criteria: ACMG Guidelines, 2015. Collection method: clinical testing. Allele origin: germline.

CeGaT Center for Human Genetics Tuebingen
Classification: Benign. Last evaluated: 2023-03-01. Review status: criteria provided, single submitter. Criteria: CeGaT Center For Human Genetics Tuebingen Variant Classification Criteria Version 2. Collection method: clinical testing. Allele origin: germline. Affected: yes. Observed: 1 variant allele.
Comment: IGHMBP2: BP4, BP7, BS1, BS2

GeneDx
Classification: Benign. Last evaluated: 2020-05-04. Review status: criteria provided, single submitter. Criteria: GeneDx Variant Classification Process June 2021. Collection method: clinical testing. Allele origin: germline. Affected: yes.

Ambry Genetics
Classification: Likely benign for Inborn genetic diseases. Last evaluated: 2019-07-11. Review status: criteria provided, single submitter. Criteria: Ambry Variant Classification Scheme 2023. Collection method: clinical testing. Allele origin: germline.

Illumina Laboratory Services, Illumina
Classification: Benign for Autosomal recessive distal spinal muscular atrophy 1. Last evaluated: 2018-01-12. Review status: criteria provided, single submitter. Criteria: ICSL Variant Classification Criteria 13 December 2019. Collection method: clinical testing. Allele origin: germline.
Comment: This variant was observed in the ICSL laboratory as part of a predisposition screen in an ostensibly healthy population. It had not been previously curated by ICSL or reported in the Human Gene Mutation Database (HGMD: prior to June 1st, 2018), and was therefore a candidate for classification through an automated scoring system. Utilizing variant allele frequency, disease prevalence and penetrance estimates, and inheritance mode, an automated score was calculated to assess if this variant is too frequent to cause the disease. Based on the score and internal cut-off values, a variant classified as benign is not then subjected to further curation. The score for this variant resulted in a classification of benign for this disease.

Mayo Clinic Laboratories, Mayo Clinic
Classification: Benign. Last evaluated: 2016-10-20. Review status: criteria provided, single submitter. Criteria: ACMG Guidelines, 2015. Collection method: clinical testing. Allele origin: germline. Observed: 1 variant allele.

Breakthrough Genomics
Classification: Likely benign. Review status: criteria provided, single submitter. Criteria: ACMG Guidelines, 2015. Collection method: not provided. Allele origin: germline. Inheritance: Autosomal recessive inheritance. Affected: yes.

Molecular Genetics Laboratory, London Health Sciences Centre
Classification: Likely benign for Charcot-Marie-Tooth disease. Review status: criteria provided, single submitter. Criteria: ACMG Guidelines, 2015. Collection method: clinical testing. Allele origin: germline. Affected: yes.

PreventionGenetics, part of Exact Sciences
Classification: Benign. Review status: criteria provided, single submitter. Criteria: ACMG Guidelines, 2015. Collection method: clinical testing. Allele origin: germline.

NM_002180.3(IGHMBP2):c.1821C>T (p.His607=)

Gene: IGHMBP2 (immunoglobulin mu DNA binding protein 2; plus strand). Cytogenetic location: 11q13.3.
Variant type: single nucleotide variant.
Coding change: c.1821C>T on transcript NM_002180.3 (MANE Select); coding-DNA position 1821, C replaced by T.
Protein change: p.His607=; no amino-acid change (histidine 607 retained).
Molecular consequence: synonymous variant.
Genome position (GRCh38, 1-based): chr11:68,936,301, C>T. VCF-style: chr11-68936301-C-T. GRCh37 (hg19) VCF-style: chr11-68703769-C-T.
Other names: p.His607=.
Identifiers: ClinVar variation 258563 (VCV000258563.54), dbSNP rs34658653, ClinGen allele CA6153786.